The following is an entry in ClinVar:

NM_001457.4(FLNB):c.7417+205C>G

Genes: FLNB (filamin B; plus strand), FLNB-AS1 (FLNB antisense RNA 1; minus strand). Cytogenetic location: 3p14.3.
Variant type: single nucleotide variant.
Coding change: c.7417+205C>G on transcript NM_001457.4 (MANE Select); 205 bases into the intron after coding-DNA position 7417, C replaced by G.
Molecular consequence: intron variant.
Genome position (GRCh38, 1-based): chr3:58,168,863, C>G. VCF-style: chr3-58168863-C-G. GRCh37 (hg19) VCF-style: chr3-58154590-C-G.
Other names: c.7510+205C>G (NM_001164317.2); c.7384+205C>G (NM_001164318.2); c.7345+205C>G (NM_001164319.2).
Identifiers: ClinVar variation 671159 (VCV000671159.2), dbSNP rs66869903, ClinGen allele CA11444296.

ClinVar aggregate classification (germline): Benign. Review status: criteria provided, multiple submitters, no conflicts (2 of 4 stars). 2 submissions from 2 submitters: Benign (2). Last evaluated 2018-06-14.

Allele frequency attached by ClinVar (database versions not stated): 1000 Genomes Project 0.12420; 1000 Genomes Project 30x 0.12430; TOPMed 0.17303; gnomAD exomes 0.17352.
gnomAD v4.1: 106,033 of 610,214 alleles (17%); highest among the groups gnomAD compares: Middle Eastern, 25%; 9,980 homozygotes.

Submissions (2):

GeneDx
Classification: Benign. Last evaluated: 2018-06-14. Review status: criteria provided, single submitter. Criteria: GeneDx Variant Classification (06012015). Collection method: clinical testing. Allele origin: germline. Affected: yes.
Comment: This variant is considered likely benign or benign based on one or more of the following criteria: it is a conservative change, it occurs at a poorly conserved position in the protein, it is predicted to be benign by multiple in silico algorithms, and/or has population frequency not consistent with disease.

Breakthrough Genomics
Classification: Benign. Review status: criteria provided, single submitter. Criteria: ACMG Guidelines, 2015. Collection method: not provided. Allele origin: germline. Inheritance: Autosomal recessive inheritance. Affected: yes.